The following is an entry in ClinVar:

NM_001378454.1(ALMS1):c.5963A>G (p.Tyr1988Cys)

Gene: ALMS1 (ALMS1 centrosome and basal body associated protein; plus strand). Cytogenetic location: 2p13.1.
Variant type: single nucleotide variant.
Coding change: c.5963A>G on transcript NM_001378454.1 (MANE Select); coding-DNA position 5963, A replaced by G.
Protein change: p.Tyr1988Cys; replaces tyrosine 1988 with cysteine.
Molecular consequence: missense variant.
Genome position (GRCh38, 1-based): chr2:73,452,490, A>G. VCF-style: chr2-73452490-A-G. GRCh37 (hg19) VCF-style: chr2-73679617-A-G.
Other names: c.5966A>G, p.Tyr1989Cys (NM_015120.4); short protein forms Y1988C, Y1989C.
Identifiers: ClinVar variation 1435390 (VCV001435390.4), dbSNP rs757977017, ClinGen allele CA1713968.
Genomic context (GRCh38, chr2:73,452,490, plus strand): 5'-CACCTGTTTCTATACCAGCAGAGCAGAAGACTGGGATACCAATAGGACTGTCTAGTTCCT[A>G]CTCACATTCACATAAAGAGAAACTCAAGATTTCAACTGTGCATATACCAGATGACCAGAA-3'
Protein context (NP_001365383.1, residues 1978-1998): TGIPIGLSSS[Tyr1988Cys]SHSHKEKLKI

ClinVar aggregate classification (germline): Conflicting classifications of pathogenicity. Review status: criteria provided, conflicting classifications (1 of 4 stars). 2 submissions from 2 submitters: Uncertain significance (1); Likely benign (1). Last evaluated 2024-10-15.

Conditions:
Cardiovascular phenotype. Identifiers: MedGen CN230736.
Alstrom syndrome (ALMS). Identifiers: Orphanet 64, MedGen C0268425, MONDO:0008763, OMIM 203800.

Allele frequency attached by ClinVar (database versions not stated): gnomAD exomes below 0.00001; TOPMed below 0.00001; ExAC 0.00001.
gnomAD v4.1: 1 of 1,614,076 alleles (0.000062%); highest among the groups gnomAD compares: Non-Finnish European, 0.000085%; no homozygotes.

Submissions (2):

Ambry Genetics
Classification: Likely benign for Cardiovascular phenotype. Last evaluated: 2024-10-15. Review status: criteria provided, single submitter. Criteria: Ambry Variant Classification Scheme 2023. Collection method: clinical testing. Allele origin: germline.

Labcorp Genetics (formerly Invitae), Labcorp
Classification: Uncertain significance for Alstrom syndrome. Last evaluated: 2022-04-18. Review status: criteria provided, single submitter. Criteria: Invitae Variant Classification Sherloc (09022015). Collection method: clinical testing. Allele origin: germline.
Comment: This sequence change replaces tyrosine, which is neutral and polar, with cysteine, which is neutral and slightly polar, at codon 1989 of the ALMS1 protein (p.Tyr1989Cys). This variant is present in population databases (rs757977017, gnomAD 0.0009%). This variant has not been reported in the literature in individuals affected with ALMS1-related conditions. Experimental studies and prediction algorithms are not available or were not evaluated, and the functional significance of this variant is currently unknown. In summary, the available evidence is currently insufficient to determine the role of this variant in disease. Therefore, it has been classified as a Variant of Uncertain Significance.